The following is an entry in ClinVar:

NM_000234.3(LIG1):c.877G>T (p.Ala293Ser)

Gene: LIG1 (DNA ligase 1; minus strand). Cytogenetic location: 19q13.33.
Variant type: single nucleotide variant.
Coding change: c.877G>T on transcript NM_000234.3 (MANE Select); coding-DNA position 877, G replaced by T.
Protein change: p.Ala293Ser; replaces alanine 293 with serine.
Molecular consequence: missense variant. On other transcripts: non-coding transcript variant (6).
Genome position (GRCh38, 1-based): chr19:48,143,580, C>A on the plus strand (G>T on the coding strand, the complement: LIG1 is on the minus strand). VCF-style: chr19-48143580-C-A. GRCh37 (hg19) VCF-style: chr19-48646837-C-A.
Other names: c.784G>T, p.Ala262Ser (NM_001289063.2); c.673G>T, p.Ala225Ser (NM_001289064.2); c.874G>T, p.Ala292Ser (NM_001320970.2); c.787G>T, p.Ala263Ser (NM_001320971.2); short protein forms A225S, A262S, A292S, A293S, A263S.
Identifiers: ClinVar variation 1504348 (VCV001504348.8), dbSNP rs528238142, ClinGen allele CA9547070.

ClinVar aggregate classification (germline): Uncertain significance (1 of 4 stars; one submission).

Allele frequency attached by ClinVar (database versions not stated): TOPMed below 0.00001; gnomAD 0.00001; gnomAD exomes 0.00001 and 0.00005; ExAC 0.00004; 1000 Genomes Project 30x 0.00031; 1000 Genomes Project 0.00040.
gnomAD v4.1: 13 of 1,608,856 alleles (0.00081%); highest among the groups gnomAD compares: East Asian, 0.029%; no homozygotes.

Submission:

Labcorp Genetics (formerly Invitae), Labcorp
Classification: Uncertain significance. Last evaluated: 2025-05-19. Review status: criteria provided, single submitter. Criteria: Invitae Variant Classification Sherloc (09022015). Collection method: clinical testing. Allele origin: germline.
Comment: This sequence change replaces alanine, which is neutral and non-polar, with serine, which is neutral and polar, at codon 293 of the LIG1 protein (p.Ala293Ser). This variant is present in population databases (rs528238142, gnomAD 0.06%). This variant has not been reported in the literature in individuals affected with LIG1-related conditions. ClinVar contains an entry for this variant (Variation ID: 1504348). An algorithm developed to predict the effect of missense changes on protein structure and function (PolyPhen-2) suggests that this variant is likely to be disruptive. In summary, the available evidence is currently insufficient to determine the role of this variant in disease. Therefore, it has been classified as a Variant of Uncertain Significance.